The following is an entry in ClinVar:

ClinVar aggregate classification (germline): Uncertain significance. Review status: criteria provided, multiple submitters, no conflicts (2 of 4 stars). 2 submissions from 2 submitters: Uncertain significance (2). Last evaluated 2026-08-03.

Conditions:
Cardiovascular phenotype. Identifiers: MedGen CN230736.
Myofibrillar myopathy 4. Also called: Zaspopathy (type). Identifiers: Orphanet 98912, MedGen C4721886, MONDO:0012277, OMIM 609452.

Submissions (2):

Ambry Genetics
Classification: Uncertain significance for Cardiovascular phenotype. Last evaluated: 2026-08-03. Review status: criteria provided, single submitter. Criteria: Ambry Variant Classification Scheme 2023. Collection method: clinical testing. Allele origin: germline.
Comment: The c.1231+4A>C intronic variant results from an A to C substitution 4 nucleotides after coding exon 8 in the LDB3 gene. This nucleotide position is highly conserved in available vertebrate species. In silico splice site analysis predicts that this alteration may weaken the native splice donor site. Based on the available evidence, the clinical significance of this variant remains unclear.

Labcorp Genetics (formerly Invitae), Labcorp
Classification: Uncertain significance for Myofibrillar myopathy 4. Last evaluated: 2022-11-01. Review status: criteria provided, single submitter. Criteria: Invitae Variant Classification Sherloc (09022015). Collection method: clinical testing. Allele origin: germline.
Comment: In summary, the available evidence is currently insufficient to determine the role of this variant in disease. Therefore, it has been classified as a Variant of Uncertain Significance. Variants that disrupt the consensus splice site are a relatively common cause of aberrant splicing (PMID: 17576681, 9536098). Experimental studies and prediction algorithms are not available or were not evaluated, and the functional significance of this variant is currently unknown. This variant has not been reported in the literature in individuals affected with LDB3-related conditions. This variant is not present in population databases (gnomAD no frequency). This sequence change falls in intron 9 of the LDB3 gene. It does not directly change the encoded amino acid sequence of the LDB3 protein. It affects a nucleotide within the consensus splice site. The LDB3 gene has multiple clinically relevant transcripts. This variant occurs in alternate transcript NM_007078.3, and corresponds to NM_001080116.1:c.*10680A>C in the primary transcript.

Literature cited by the submitters: PubMed 17576681 (cited by Labcorp Genetics (formerly Invitae), Labcorp); PubMed 9536098 (cited by Labcorp Genetics (formerly Invitae), Labcorp).

NM_007078.3(LDB3):c.1231+4A>C

Gene: LDB3 (LIM domain binding 3; plus strand). Cytogenetic location: 10q23.2.
Variant type: single nucleotide variant.
Coding change: c.1231+4A>C on transcript NM_007078.3 (MANE Select); 4 bases into the intron after coding-DNA position 1231, A replaced by C.
Molecular consequence: intron variant.
Genome position (GRCh38, 1-based): chr10:86,710,054, A>C. VCF-style: chr10-86710054-A-C. GRCh37 (hg19) VCF-style: chr10-88469811-A-C.
Other names: c.1042+4A>C (NM_001368064.1, NM_001368065.1); c.1246+4A>C (NM_001171610.2); c.1090+4A>C (NM_001368066.1); c.901+4A>C (NM_001080114.2).
Identifiers: ClinVar variation 1403612 (VCV001403612.11), dbSNP rs2132466323, ClinGen allele CA2573145666.